The following is an entry in ClinVar:

NM_001003694.2(BRPF1):c.491dup (p.His164fs)

Gene: BRPF1 (bromodomain and PHD finger containing 1; plus strand). Cytogenetic location: 3p25.3.
Variant type: Duplication.
Coding change: c.491dup on transcript NM_001003694.2 (MANE Select); coding-DNA position 491, one base duplicated (A; older notation c.491dupA).
Protein change: p.His164fs; shifts the reading frame from histidine 164.
Molecular consequence: frameshift variant. On other transcripts: non-coding transcript variant (1).
Genome position (GRCh38, 1-based): chr3:9,734,631, A duplicated. VCF-style (leftmost placement, unchanged base first): chr3-9734630-C-CA. GRCh37 (hg19) VCF-style: chr3-9776314-C-CA.
Other names: c.491dup, p.His164fs (NM_001319049.2, NM_001319050.2, NM_001410704.1 and 1 more transcripts); short protein forms H164fs.
Identifiers: ClinVar variation 3236572 (VCV003236572.1), dbSNP rs2471447986, ClinGen allele CA2825001265.

ClinVar aggregate classification (germline): Pathogenic (1 of 4 stars; one submission).

Conditions:
Intellectual developmental disorder with dysmorphic facies and ptosis (IDDDFP). Identifiers: Orphanet 698090, MedGen C4310617, MONDO:0015022, OMIM 617333.

Submission:

Clinical Genomics Laboratory, Washington University in St. Louis
Classification: Pathogenic for Intellectual developmental disorder with dysmorphic facies and ptosis. Last evaluated: 2024-01-03. Review status: criteria provided, single submitter. Criteria: ACMG Guidelines, 2015. Collection method: clinical testing. Allele origin: germline. Affected: yes.
Comment: The BRPF1 c.491dup (p.His164GlnfsTer27) variant, to our knowledge, has not been reported in the medical literature and is absent from the general population (gnomAD v.2.1.1), indicating it is not a common variant. This variant causes a frameshift by duplicating a single nucleotide, leading to a premature termination codon, which is predicted to lead to nonsense mediated decay. Additionally, other variants that introduce a premature termination codon in this region have been described in affected individuals and are considered pathogenic (Mattioli F et al., PMID: 27939639; Yan K et al., PMID: 27939640). Based on available information and the ACMG/AMP guidelines for variant interpretation (Richards S et al., PMID: 25741868), this variant is classified as pathogenic.